The following is an entry in ClinVar:

NM_000321.3(RB1):c.116C>G (p.Pro39Arg)

Gene: RB1 (RB transcriptional corepressor 1; plus strand). Cytogenetic location: 13q14.2.
Variant type: single nucleotide variant.
Coding change: c.116C>G on transcript NM_000321.3 (MANE Select); coding-DNA position 116, C replaced by G.
Protein change: p.Pro39Arg; replaces proline 39 with arginine.
Molecular consequence: missense variant.
Genome position (GRCh38, 1-based): chr13:48,304,028, C>G. VCF-style: chr13-48304028-C-G. GRCh37 (hg19) VCF-style: chr13-48878164-C-G.
Other names: c.116C>G, p.Pro39Arg (NM_001407165.1, NM_001407166.1, NM_001407167.1); short protein forms P39R.
Identifiers: ClinVar variation 2787707 (VCV002787707.3), dbSNP rs1180053508, ClinGen allele CA388250362.

ClinVar aggregate classification (germline): Uncertain significance (1 of 4 stars; one submission).

Conditions:
Retinoblastoma (RB1). Also called: RETINOBLASTOMA, SOMATIC. Identifiers: Orphanet 790, MedGen C0035335, MeSH D012175, MONDO:0008380, OMIM 180200, HP:0009919. Disease mechanism: loss of function. Inheritance: Both sporadic and heritable forms are tested..

Submission:

Labcorp Genetics (formerly Invitae), Labcorp
Classification: Uncertain significance for Retinoblastoma. Last evaluated: 2023-03-09. Review status: criteria provided, single submitter. Criteria: Invitae Variant Classification Sherloc (09022015). Collection method: clinical testing. Allele origin: germline.
Comment: This sequence change replaces proline, which is neutral and non-polar, with arginine, which is basic and polar, at codon 39 of the RB1 protein (p.Pro39Arg). In summary, the available evidence is currently insufficient to determine the role of this variant in disease. Therefore, it has been classified as a Variant of Uncertain Significance. Advanced modeling of protein sequence and biophysical properties (such as structural, functional, and spatial information, amino acid conservation, physicochemical variation, residue mobility, and thermodynamic stability) has been performed at Invitae for this missense variant, however the output from this modeling did not meet the statistical confidence thresholds required to predict the impact of this variant on RB1 protein function. This variant has not been reported in the literature in individuals affected with RB1-related conditions. This variant is not present in population databases (gnomAD no frequency).